The following is an entry in ClinVar:

NM_000038.6(APC):c.4358C>A (p.Pro1453His)

Gene: APC (APC regulator of Wnt signaling pathway; plus strand). Cytogenetic location: 5q22.2.
Variant type: single nucleotide variant.
Coding change: c.4358C>A on transcript NM_000038.6 (MANE Select); coding-DNA position 4358, C replaced by A.
Protein change: p.Pro1453His; replaces proline 1453 with histidine.
Molecular consequence: missense variant.
Genome position (GRCh38, 1-based): chr5:112,839,952, C>A. VCF-style: chr5-112839952-C-A. GRCh37 (hg19) VCF-style: chr5-112175649-C-A.
Other names: c.4358C>A, p.Pro1453His (NM_001127510.3, NM_001354895.2, NM_001407450.1); c.4304C>A, p.Pro1435His (NM_001127511.3); c.4412C>A, p.Pro1471His (NM_001354896.2, NM_001407447.1, NM_001407448.1 and 1 more transcripts); c.4388C>A, p.Pro1463His (NM_001354897.2); c.4283C>A, p.Pro1428His (NM_001354898.2); c.4274C>A, p.Pro1425His (NM_001354899.2); c.4235C>A, p.Pro1412His (NM_001354900.2); c.4181C>A, p.Pro1394His (NM_001354901.2, NM_001407453.1); and 11 more; short protein forms P1324H, P1327H, P1352H, P1362H, P1435H, P1446H, P1425H, P1481H.
Identifiers: ClinVar variation 1739972 (VCV001739972.2), dbSNP rs1765661629, ClinGen allele CA16030876.
Genomic context (GRCh38, chr5:112,839,952, plus strand): 5'-CAAGCAGAAGTAAAACACCTCCACCACCTCCTCAAACAGCTCAAACCAAGCGAGAAGTAC[C>A]TAAAAATAAAGCACCTACTGCTGAAAAGAGAGAGAGTGGACCTAAGCAAGCTGCAGTAAA-3'
Protein context (NP_000029.2, residues 1443-1463): PQTAQTKREV[Pro1453His]KNKAPTAEKR

ClinVar aggregate classification (germline): Uncertain significance (1 of 4 stars; one submission).

Conditions:
Hereditary cancer-predisposing syndrome. Also called: Hereditary Cancer Syndrome; Hereditary neoplastic syndrome; Neoplastic Syndromes, Hereditary; Tumor predisposition. Identifiers: Orphanet 140162, MedGen C0027672, MeSH D009386, MONDO:0015356.

Submission:

Ambry Genetics
Classification: Uncertain significance for Hereditary cancer-predisposing syndrome. Last evaluated: 2017-11-14. Review status: criteria provided, single submitter. Criteria: Ambry Variant Classification Scheme 2023. Collection method: clinical testing. Allele origin: germline.
Comment: The p.P1453H variant (also known as c.4358C>A), located in coding exon 15 of the APC gene, results from a C to A substitution at nucleotide position 4358. The proline at codon 1453 is replaced by histidine, an amino acid with similar properties. This amino acid position is not well conserved in available vertebrate species. In addition, in silico predictors for this gene do not accurately predict pathogenicity. Since supporting evidence is limited at this time, the clinical significance of this alteration remains unclear.